The following is an entry in ClinVar:

NM_001040142.2(SCN2A):c.5471C>T (p.Ala1824Val)

Gene: SCN2A (sodium voltage-gated channel alpha subunit 2; plus strand). Cytogenetic location: 2q24.3.
Variant type: single nucleotide variant.
Coding change: c.5471C>T on transcript NM_001040142.2 (MANE Select); coding-DNA position 5471, C replaced by T.
Protein change: p.Ala1824Val; replaces alanine 1824 with valine.
Molecular consequence: missense variant.
Genome position (GRCh38, 1-based): chr2:165,389,277, C>T. VCF-style: chr2-165389277-C-T. GRCh37 (hg19) VCF-style: chr2-166245787-C-T.
Other names: c.5471C>T, p.Ala1824Val (NM_001040143.2, NM_001371246.1, NM_001371247.1 and 1 more transcripts); short protein forms A1824V.
Identifiers: ClinVar variation 3753194 (VCV003753194.2).

ClinVar aggregate classification (germline): Uncertain significance (1 of 4 stars; one submission).

Conditions:
Developmental and epileptic encephalopathy, 11 (DEE11). Also called: Early infantile epileptic encephalopathy 11. Identifiers: Orphanet 1934, MedGen C3150987, MONDO:0013388, OMIM 613721.
Seizures, benign familial infantile, 3 (BFIS3). Also called: CONVULSIONS, BENIGN FAMILIAL INFANTILE, 3; Familial neonatal seizures. Identifiers: Orphanet 140927, Orphanet 306, MedGen C1843140, MONDO:0011904, OMIM 607745.

gnomAD v4.1: 1 of 1,614,066 alleles (0.000062%); no homozygotes.

Submission:

Labcorp Genetics (formerly Invitae), Labcorp
Classification: Uncertain significance for Seizures, benign familial infantile, 3; Developmental and epileptic encephalopathy, 11. Last evaluated: 2025-08-27. Review status: criteria provided, single submitter. Criteria: Invitae Variant Classification Sherloc (09022015). Collection method: clinical testing. Allele origin: germline.
Comment: This sequence change replaces alanine, which is neutral and non-polar, with valine, which is neutral and non-polar, at codon 1824 of the SCN2A protein (p.Ala1824Val). This variant is present in population databases (rs771730731, gnomAD 0.0009%). This variant has not been reported in the literature in individuals affected with SCN2A-related conditions. ClinVar contains an entry for this variant (Variation ID: 3753194). Invitae Evidence Modeling of protein sequence and biophysical properties (such as structural, functional, and spatial information, amino acid conservation, physicochemical variation, residue mobility, and thermodynamic stability) has been performed for this missense variant. However, the output from this modeling did not meet the statistical confidence thresholds required to predict the impact of this variant on SCN2A protein function. In summary, the available evidence is currently insufficient to determine the role of this variant in disease. Therefore, it has been classified as a Variant of Uncertain Significance.